The following is an entry in ClinVar:

NM_001385012.1(NBEA):c.1142G>A (p.Arg381Lys)

Gene: NBEA (neurobeachin; plus strand). Cytogenetic location: 13q13.3.
Variant type: single nucleotide variant.
Coding change: c.1142G>A on transcript NM_001385012.1 (MANE Select); coding-DNA position 1142, G replaced by A.
Protein change: p.Arg381Lys; replaces arginine 381 with lysine.
Molecular consequence: missense variant.
Genome position (GRCh38, 1-based): chr13:35,058,766, G>A. VCF-style: chr13-35058766-G-A. GRCh37 (hg19) VCF-style: chr13-35632903-G-A.
Other names: c.1142G>A, p.Arg381Lys (NM_001379245.1, NM_015678.5); short protein forms R381K.
Identifiers: ClinVar variation 2577708 (VCV002577708.1), dbSNP rs1217566981, ClinGen allele CA387965611.
Genomic context (GRCh38, chr13:35,058,766, plus strand): 5'-TTTAAAAATAGAGCTATGACAAGTGCTTTCTTGGATCATCAGAAACTGCTGATGCAAATA[G>A]GGTATTCTGTGGTCAACTTGGTGCCGTGTATGTGTTCAGTGAAGCACTCAACCCAGCACA-3'
Protein context (NP_001371941.1, residues 371-391): LGSSETADAN[Arg381Lys]VFCGQLGAVY

ClinVar aggregate classification (germline): Uncertain significance (1 of 4 stars; one submission).

Allele frequency attached by ClinVar (database versions not stated): gnomAD exomes below 0.00001.

Submission:

GeneDx
Classification: Uncertain significance. Last evaluated: 2023-02-22. Review status: criteria provided, single submitter. Criteria: GeneDx Variant Classification Process June 2021. Collection method: clinical testing. Allele origin: germline. Affected: yes.
Comment: In silico analysis supports that this missense variant has a deleterious effect on protein structure/function; Has not been previously published as pathogenic or benign to our knowledge